The following is an entry in ClinVar:

NM_001378328.1(CELSR1):c.8807C>T (p.Pro2936Leu)

Gene: CELSR1 (cadherin EGF LAG seven-pass G-type receptor 1; minus strand). Cytogenetic location: 22q13.31.
Variant type: single nucleotide variant.
Coding change: c.8807C>T on transcript NM_001378328.1 (MANE Select); coding-DNA position 8807, C replaced by T.
Protein change: p.Pro2936Leu; replaces proline 2936 with leucine.
Molecular consequence: missense variant.
Genome position (GRCh38, 1-based): chr22:46,364,224, G>A on the plus strand (C>T on the coding strand, the complement: CELSR1 is on the minus strand). VCF-style: chr22-46364224-G-A. GRCh37 (hg19) VCF-style: chr22-46760121-G-A.
Other names: c.8807C>T, p.Pro2936Leu (NM_014246.4); short protein forms P2936L.
Identifiers: ClinVar variation 423493 (VCV000423493.3), dbSNP rs201509338, ClinGen allele CA10292625.
Genomic context (GRCh38, chr22:46,364,224, plus strand): 5'-TCGGCCAGCTTCTCCCGGAGCCGGCCCTTCAGCGTCTGCTCCGTCAGCGTCAGCGGCGGC[G>A]GGTAGGTGACTTTATTTTTCAAGATGCCTGGGAGGAGGAGACACGGCAAGGTCAAGTCCG-3'
Protein context (NP_001365257.1, residues 2926-2946): KGILKNKVTY[Pro2936Leu]PPLTLTEQTL

ClinVar aggregate classification (germline): Uncertain significance. Review status: criteria provided, multiple submitters, no conflicts (2 of 4 stars). 2 submissions from 2 submitters: Uncertain significance (2). Last evaluated 2025-11-04.

Conditions:
Lymphatic malformation 9. Identifiers: MedGen C5543365, MONDO:0030270, OMIM 619319.

Allele frequency attached by ClinVar (database versions not stated): gnomAD 0.00001 and 0.00002; TOPMed 0.00001; gnomAD exomes 0.00002; ExAC 0.00004; ESP Exome Variant Server 0.00008; 1000 Genomes Project 30x 0.00016; 1000 Genomes Project 0.00020.
gnomAD v4.1: 92 of 1,610,278 alleles (0.0057%); highest among the groups gnomAD compares: Middle Eastern, 0.017%; no homozygotes.

Submissions (2):

Clinical Genomics Laboratory, Washington University in St. Louis
Classification: Uncertain significance for Lymphatic malformation 9. Last evaluated: 2025-11-04. Review status: criteria provided, single submitter. Criteria: ACMG Guidelines, 2015. Collection method: clinical testing. Allele origin: germline.
Comment: A CELSR1 c.8807C>T (p.Pro2936Leu) variant was identified at a near heterozygous allelic fraction of 44.3%, a frequency which may be consistent with it being of germline origin. The CELSR1 c.8807C>T (p.Pro2936Leu) variant has been reported in one anencephalic fetus co-occurring with other pathogenic variants (Ishida M et al., PMID: 29205322). It has been reported in the ClinVar database as a germline variant of uncertain significance by one submitter (ClinVar ID: 423493). It is observed in 92/1,610,278 alleles in the general population (gnomAD v4.1.0). Computational predictors are uncertain as to the impact of this variant on CELSR1 function. Due to limited information, and based on ACMG/AMP guidelines for variant interpretation (Richards S et al., PMID: 25741868), the clinical significance of this variant is uncertain at this time.

GeneDx
Classification: Uncertain significance. Last evaluated: 2018-08-02. Review status: criteria provided, single submitter. Criteria: GeneDx Variant Classification (06012015). Collection method: clinical testing. Allele origin: germline. Affected: yes.
Comment: The P2936L variant in the CELSR1 gene has not been reported previously as a pathogenic variant, nor as a benign variant, to our knowledge. The P2936L variant is not observed at a significant frequency in large population cohorts (Lek et al., 2016; 1000 Genomes Consortium et al., 2015; Exome Variant Server). The P2936L variant is a semi-conservative amino acid substitution, which may impact secondary protein structure as these residues differ in some properties. This substitution occurs at a position that is conserved across species. In silico analysis predicts this variant is probably damaging to the protein structure/function. We interpret P2936L as a variant of uncertain significance.